The following is an entry in ClinVar:

NM_001103.4(ACTN2):c.698-2A>G

Gene: ACTN2 (actinin alpha 2; plus strand). Cytogenetic location: 1q43.
Variant type: single nucleotide variant.
Coding change: c.698-2A>G on transcript NM_001103.4 (MANE Select); the canonical splice acceptor site of the intron before coding-DNA position 698, A replaced by G.
Molecular consequence: splice acceptor variant. On other transcripts: intron variant (1).
Genome position (GRCh38, 1-based): chr1:236,735,633, A>G. VCF-style: chr1-236735633-A-G. GRCh37 (hg19) VCF-style: chr1-236898933-A-G.
Other names: c.783+1115A>G (NM_001278343.2).
Identifiers: ClinVar variation 1326967 (VCV001326967.3), dbSNP rs2102916915, ClinGen allele CA345377242.

ClinVar aggregate classification (germline): Likely pathogenic (1 of 4 stars; one submission).

Conditions:
Intrinsic cardiomyopathy. Identifiers: MedGen CN305117, MONDO:0000591.

Submission:

Molecular Genetics, Royal Melbourne Hospital
Classification: Likely pathogenic for Intrinsic cardiomyopathy. Last evaluated: 2022-11-03. Review status: criteria provided, single submitter. Criteria: ACMG Guidelines, 2015. Collection method: clinical testing. Allele origin: germline. Affected: yes.
Comment: This sequence change in ACTN2 occurs within the canonical splice acceptor site (-2) of intron 7. It is predicted to cause skipping of biologically relevant exon 8/21, resulting in a frameshift leading to nonsense-mediated decay in a gene in which loss-of-function is a disease mechanism (PMID: 22767232, 28436997, 31333075, 32973354, 33500567, 34802252). This variant is absent from the population database gnomAD v2.1 and v3.1. To our knowledge, this variant has not been reported in the relevant literature in any individuals with ACTN2-related disease. Based on the classification scheme RMH Modified ACMG Guidelines v1.5.1, this variant is classified as a LIKELY PATHOGENIC. Following criteria are met: PVS1, PM2_Supporting.

Literature cited by the submitters: PubMed 22767232; PubMed 28436997; PubMed 31333075; PubMed 32973354; PubMed 33500567; PubMed 34802252.